The following is an entry in ClinVar:

ClinVar aggregate classification (germline): Likely pathogenic (1 of 4 stars; one submission).

Conditions:
Cardiovascular phenotype. Identifiers: MedGen CN230736.

Submission:

Ambry Genetics
Classification: Likely pathogenic for Cardiovascular phenotype. Last evaluated: 2026-02-13. Review status: criteria provided, single submitter. Criteria: Ambry Variant Classification Scheme 2023. Collection method: clinical testing. Allele origin: germline.
Comment: The c.30772delA variant, located in coding exon 123 of the TTN gene, results from a deletion of one nucleotide at nucleotide position 30772, causing a translational frameshift with a predicted alternate stop codon (p.S10258Vfs*27). This exon is located in the A-band region of the N2-B isoform of the titin protein and is constitutively expressed in TTN transcripts (percent spliced in or PSI 100%). This variant is considered to be rare based on population cohorts in the Genome Aggregation Database (gnomAD). This variant is expected to result in loss of function by premature protein truncation or nonsense-mediated mRNA decay. While truncating variants in TTN are present in 1-3% of the general population, truncating variants in the A-band are the most common cause of dilated cardiomyopathy (Herman DS et al. N. Engl. J. Med., 2012 Feb;366:619-28; Roberts AM et al. Sci Transl Med, 2015 Jan;7:270ra6). TTN truncating variants encoded in constitutive exons (PSI >90%) have been found to be significantly associated with DCM regardless of their position in titin (Schafer S et al. Nat. Genet., 2017 01;49:46-53; Akhtar MM et al. Circ Heart Fail, 2020 Oct;13:e006832; Massier M et al. Clin Genet, 2025 Jan). Based on the majority of available evidence to date, this variant is likely to be pathogenic.

NM_001267550.2(TTN):c.57967del (p.Ser19323fs)

Genes: TTN (titin; minus strand), TTN-AS1 (TTN antisense RNA 1; plus strand). Cytogenetic location: 2q31.2.
Variant type: Deletion.
Coding change: c.57967del on transcript NM_001267550.2 (MANE Select); coding-DNA position 57967, one base deleted (A; older notation c.57967delA).
Protein change: p.Ser19323fs; shifts the reading frame from serine 19323.
Molecular consequence: frameshift variant.
Genome position (GRCh38, 1-based): chr2:178,594,527, T deleted on the plus strand (A on the coding strand, the reverse complement: TTN is on the minus strand); the first of 3 consecutive T bases (chr2:178,594,527-178,594,529); deleting any one gives the same sequence. VCF-style (leftmost placement, unchanged base first): chr2-178594526-CT-C. GRCh37 (hg19) VCF-style: chr2-179459253-CT-C.
Other names: c.53044del, p.Ser17682fs (NM_001256850.1); c.30772delA (NM_003319.4); c.30772del, p.Ser10258fs (NM_003319.4); c.50263del, p.Ser16755fs (NM_133378.4); c.31147del, p.Ser10383fs (NM_133432.3); c.31348del, p.Ser10450fs (NM_133437.4); short protein forms S10258fs, S10383fs, S16755fs, S10450fs, S19323fs, S17682fs.
Identifiers: ClinVar variation 4824749 (VCV004824749.1).
Genomic context (GRCh38, chr2:178,594,526, plus strand): 5'-TTTCTGCTAAGCAAGTTGTCATTTGTAACTTTGTGGAACTTCTCAGTCCCAATGAGCCGA[CT>C]TTCTAGGACATAGTTAATAATTTCTGACCCACCATCATACTTAGGAGGATTCCAAGTCAA-3'